The following is an entry in ClinVar:

NM_004655.4(AXIN2):c.1753G>A (p.Gly585Ser)

Gene: AXIN2 (axin 2; minus strand). Cytogenetic location: 17q24.1.
Variant type: single nucleotide variant.
Coding change: c.1753G>A on transcript NM_004655.4 (MANE Select); coding-DNA position 1753, G replaced by A.
Protein change: p.Gly585Ser; replaces glycine 585 with serine.
Molecular consequence: missense variant. On other transcripts: intron variant (1).
Genome position (GRCh38, 1-based): chr17:65,537,023, C>T on the plus strand (G>A on the coding strand, the complement: AXIN2 is on the minus strand). VCF-style: chr17-65537023-C-T. GRCh37 (hg19) VCF-style: chr17-63533141-C-T.
Other names: c.1712+301G>A (NM_001363813.1); short protein forms G585S.
Identifiers: ClinVar variation 1779436 (VCV001779436.2), dbSNP rs2509408661, ClinGen allele CA400676688.

ClinVar aggregate classification (germline): Uncertain significance (1 of 4 stars; one submission).

Conditions:
Hereditary cancer-predisposing syndrome. Also called: Neoplastic Syndromes, Hereditary; Tumor predisposition; Hereditary Cancer Syndrome; Hereditary neoplastic syndrome. Identifiers: Orphanet 140162, MedGen C0027672, MeSH D009386, MONDO:0015356.

Submission:

Ambry Genetics
Classification: Uncertain significance for Hereditary cancer-predisposing syndrome. Last evaluated: 2021-10-25. Review status: criteria provided, single submitter. Criteria: Ambry Variant Classification Scheme 2023. Collection method: clinical testing. Allele origin: germline.
Comment: The p.G585S variant (also known as c.1753G>A), located in coding exon 6 of the AXIN2 gene, results from a G to A substitution at nucleotide position 1753. The glycine at codon 585 is replaced by serine, an amino acid with similar properties. This amino acid position is conserved. In addition, this alteration is predicted to be tolerated by in silico analysis. Since supporting evidence is limited at this time, the clinical significance of this alteration remains unclear.